The following is an entry in ClinVar:

ClinVar aggregate classification (germline): Conflicting classifications of pathogenicity. Review status: criteria provided, conflicting classifications (1 of 4 stars). 2 submissions from 2 submitters: Uncertain significance (1); Likely benign (1). Last evaluated 2025-09-26.

Conditions:
Inborn genetic diseases. Identifiers: MedGen C0950123, MeSH D030342.
Focal segmental glomerulosclerosis 5 (FSGS5). Identifiers: Orphanet 656, MedGen C2750475, MONDO:0013191, OMIM 613237.
Charcot-Marie-Tooth disease dominant intermediate E. Also called: CHARCOT-MARIE-TOOTH NEUROPATHY WITH FOCAL SEGMENTAL GLOMERULONEPHRITIS. Identifiers: Orphanet 93114, MedGen C4302667, MONDO:0013758, OMIM 614455.

Allele frequency attached by ClinVar (database versions not stated): gnomAD exomes 0.00003; gnomAD 0.00005 and 0.00006; TOPMed 0.00005; ESP Exome Variant Server 0.00016; ExAC 0.00026.
gnomAD v4.1: 131 of 1,547,822 alleles (0.0085%); highest among the groups gnomAD compares: Non-Finnish European, 0.011%; no homozygotes.

Submissions (2):

Labcorp Genetics (formerly Invitae), Labcorp
Classification: Likely benign for Charcot-Marie-Tooth disease dominant intermediate E; Focal segmental glomerulosclerosis 5. Last evaluated: 2025-09-26. Review status: criteria provided, single submitter. Criteria: Invitae Variant Classification Sherloc (09022015). Collection method: clinical testing. Allele origin: germline.

Ambry Genetics
Classification: Uncertain significance for Inborn genetic diseases. Last evaluated: 2020-05-15. Review status: criteria provided, single submitter. Criteria: Ambry Variant Classification Scheme 2023. Collection method: clinical testing. Allele origin: germline.
Comment: The p.A1020V variant (also known as c.3059C>T), located in coding exon 20 of the INF2 gene, results from a C to T substitution at nucleotide position 3059. The alanine at codon 1020 is replaced by valine, an amino acid with similar properties. This amino acid position is not well conserved in available vertebrate species, and valine is the reference amino acid in other vertebrate species. In addition, this alteration is predicted to be tolerated by in silico analysis. Since supporting evidence is limited at this time, the clinical significance of this alteration remains unclear.

NM_022489.4(INF2):c.3059C>T (p.Ala1020Val)

Gene: INF2 (inverted formin 2; plus strand). Cytogenetic location: 14q32.33.
Variant type: single nucleotide variant.
Coding change: c.3059C>T on transcript NM_022489.4 (MANE Select); coding-DNA position 3059, C replaced by T.
Protein change: p.Ala1020Val; replaces alanine 1020 with valine.
Molecular consequence: missense variant.
Genome position (GRCh38, 1-based): chr14:104,714,221, C>T. VCF-style: chr14-104714221-C-T. GRCh37 (hg19) VCF-style: chr14-105180558-C-T.
Other names: c.3059C>T, p.Ala1020Val (NM_001031714.4); short protein forms A1020V.
Identifiers: ClinVar variation 540037 (VCV000540037.11), dbSNP rs368372551, ClinGen allele CA7373169.
Genomic context (GRCh38, chr14:104,714,221, plus strand): 5'-GGGCAGGGTGCCTGCCCTTCACTGGTGTGTCCCTCCATCCAGTGGCCACCAGTAACCCTG[C>T]AGGAGATCCCGTGGGCAGCACGCGCTGTCCCGCCTCTGAGCCCGGCCTTGATGCTACAAC-3'
Protein context (NP_071934.3, residues 1010-1030): ATEPVATSNP[Ala1020Val]GDPVGSTRCP